The following is an entry in ClinVar:

ClinVar aggregate classification (germline): Benign. Review status: criteria provided, multiple submitters, no conflicts (2 of 4 stars). 3 submissions from 3 submitters: Benign (3). Last evaluated 2026-01-11.

Conditions:
KLC2-related disorder. Also called: KLC2-related condition.

Allele frequency attached by ClinVar (database versions not stated): TOPMed 0.02451; ESP Exome Variant Server 0.02648; gnomAD exomes 0.00209 and 0.00555; ExAC 0.00655; 1000 Genomes Project 0.02196; gnomAD 0.02225 and 0.02419; 1000 Genomes Project 30x 0.02280.
gnomAD v4.1: 6,640 of 1,613,704 alleles (0.41%); highest among the groups gnomAD compares: African/African-American, 7.6%; 227 homozygotes.

Submissions (12):

Labcorp Genetics (formerly Invitae), Labcorp
Classification: Benign. Last evaluated: 2026-01-11. Review status: criteria provided, single submitter. Criteria: Invitae Variant Classification Sherloc (09022015). Collection method: clinical testing. Allele origin: germline.

PreventionGenetics, part of Exact Sciences
Classification: Benign for KLC2-related condition. Last evaluated: 2025-06-27. Review status: criteria provided, single submitter. Criteria: ACMG Guidelines, 2015. Collection method: clinical testing. Allele origin: germline.
Comment: This variant is classified as benign based on ACMG/AMP sequence variant interpretation guidelines (Richards et al. 2015 PMID: 25741868, with internal and published modifications).

Breakthrough Genomics
Classification: Benign. Review status: criteria provided, single submitter. Criteria: ACMG Guidelines, 2015. Collection method: not provided. Allele origin: germline. Inheritance: Autosomal recessive inheritance. Affected: yes.

Dr. Peter K. Rogan Lab, Western University
No classification provided (evidence only). Condition: Clear cell carcinoma of kidney. Review status: no classification provided. Collection method: in vitro. Allele origin: not applicable. Functional consequence: retained intron. Not counted in ClinVar's aggregate classification.

Dr. Peter K. Rogan Lab, Western University
No classification provided (evidence only). Condition: Lung cancer. Review status: no classification provided. Collection method: in vitro. Allele origin: not applicable. Functional consequence: retained intron. Not counted in ClinVar's aggregate classification.

Dr. Peter K. Rogan Lab, Western University
No classification provided (evidence only). Condition: Colon adenocarcinoma. Review status: no classification provided. Collection method: in vitro. Allele origin: not applicable. Functional consequence: retained intron. Not counted in ClinVar's aggregate classification.

Dr. Peter K. Rogan Lab, Western University
No classification provided (evidence only). Condition: Thyroid cancer, nonmedullary, 1. Review status: no classification provided. Collection method: in vitro. Allele origin: not applicable. Functional consequence: retained intron. Not counted in ClinVar's aggregate classification.

Dr. Peter K. Rogan Lab, Western University
No classification provided (evidence only). Condition: Uterine corpus endometrial carcinoma. Review status: no classification provided. Collection method: in vitro. Allele origin: not applicable. Functional consequence: retained intron. Not counted in ClinVar's aggregate classification.

Dr. Peter K. Rogan Lab, Western University
No classification provided (evidence only). Condition: Uterine corpus endometrial carcinoma. Review status: no classification provided. Collection method: in vitro. Allele origin: not applicable. Functional consequence: retained intron. Not counted in ClinVar's aggregate classification.

Dr. Peter K. Rogan Lab, Western University
No classification provided (evidence only). Condition: Uterine corpus endometrial carcinoma. Review status: no classification provided. Collection method: in vitro. Allele origin: not applicable. Functional consequence: retained intron. Not counted in ClinVar's aggregate classification.

Dr. Peter K. Rogan Lab, Western University
No classification provided (evidence only). Condition: Sarcoma. Review status: no classification provided. Collection method: in vitro. Allele origin: not applicable. Functional consequence: retained intron. Not counted in ClinVar's aggregate classification.

Dr. Peter K. Rogan Lab, Western University
No classification provided (evidence only). Condition: Gastric cancer. Review status: no classification provided. Collection method: in vitro. Allele origin: not applicable. Functional consequence: retained intron. Not counted in ClinVar's aggregate classification.

NM_001318734.2(KLC2):c.126G>A (p.Leu42=)

Gene: KLC2 (kinesin light chain 2; plus strand). Cytogenetic location: 11q13.2.
Variant type: single nucleotide variant.
Coding change: c.126G>A on transcript NM_001318734.2 (MANE Select); coding-DNA position 126, G replaced by A.
Protein change: p.Leu42=; no amino-acid change (leucine 42 retained).
Molecular consequence: synonymous variant.
Genome position (GRCh38, 1-based): chr11:66,258,720, G>A. VCF-style: chr11-66258720-G-A. GRCh37 (hg19) VCF-style: chr11-66026191-G-A.
Other names: c.126G>A (NM_001134774.1); c.126G>A, p.Leu42= (NM_001134774.2, NM_001134775.2, NM_001134776.2 and 1 more transcripts).
Identifiers: ClinVar variation 781008 (VCV000781008.13), dbSNP rs11825510, ClinGen allele CA6116992.